The following is an entry in ClinVar:

ClinVar aggregate classification (germline): Uncertain significance. Review status: criteria provided, multiple submitters, no conflicts (2 of 4 stars). 2 submissions from 2 submitters: Uncertain significance (2). Last evaluated 2024-08-21.

Conditions:
Hereditary breast ovarian cancer syndrome. Also called: Hereditary breast and ovarian cancer syndrome; Hereditary breast and ovarian cancer; Hereditary breast and ovarian cancer syndrome (HBOC); Hereditary breast and/or ovarian cancer syndrome; Breast and ovarian cancer; BRCA1- and BRCA2-Associated Hereditary Breast and Ovarian Cancer. Identifiers: Orphanet 145, MedGen C0677776, MeSH D061325, MONDO:0003582. Disease mechanism: loss of function.

Submissions (2):

Labcorp Genetics (formerly Invitae), Labcorp
Classification: Uncertain significance for Hereditary breast ovarian cancer syndrome. Last evaluated: 2024-08-21. Review status: criteria provided, single submitter. Criteria: Invitae Variant Classification Sherloc (09022015). Collection method: clinical testing. Allele origin: germline.
Comment: This sequence change replaces glycine, which is neutral and non-polar, with arginine, which is basic and polar, at codon 162 of the BRCA2 protein (p.Gly162Arg). This variant is not present in population databases (gnomAD no frequency). This variant has not been reported in the literature in individuals affected with BRCA2-related conditions. ClinVar contains an entry for this variant (Variation ID: 1336893). Invitae Evidence Modeling of protein sequence and biophysical properties (such as structural, functional, and spatial information, amino acid conservation, physicochemical variation, residue mobility, and thermodynamic stability) indicates that this missense variant is not expected to disrupt BRCA2 protein function with a negative predictive value of 95%. Algorithms developed to predict the effect of sequence changes on RNA splicing suggest that this variant may disrupt the consensus splice site. In summary, the available evidence is currently insufficient to determine the role of this variant in disease. Therefore, it has been classified as a Variant of Uncertain Significance.

Genetic Services Laboratory, University of Chicago
Classification: Uncertain significance. Last evaluated: 2018-10-26. Review status: criteria provided, single submitter. Criteria: ACMG Guidelines, 2015. Collection method: clinical testing. Allele origin: germline. Affected: no.

NM_000059.4(BRCA2):c.484G>A (p.Gly162Arg)

Gene: BRCA2 (BRCA2 DNA repair associated; plus strand). Cytogenetic location: 13q13.1.
Variant type: single nucleotide variant.
Coding change: c.484G>A on transcript NM_000059.4 (MANE Select); coding-DNA position 484, G replaced by A.
Protein change: p.Gly162Arg; replaces glycine 162 with arginine.
Molecular consequence: missense variant.
Genome position (GRCh38, 1-based): chr13:32,326,250, G>A. VCF-style: chr13-32326250-G-A. GRCh37 (hg19) VCF-style: chr13-32900387-G-A.
Other names: short protein forms G162R.
Identifiers: ClinVar variation 1336893 (VCV001336893.11), dbSNP rs1555280983, ClinGen allele CA387757633.